The following is an entry in ClinVar:

ClinVar aggregate classification (germline): Uncertain significance (1 of 4 stars; one submission).

Conditions:
Cyclical neutropenia. Also called: Cyclic Neutropenia; Cyclic hematopoiesis. Identifiers: Orphanet 2686, MedGen C0221023, MONDO:0008090, OMIM 162800, HP:0040289. Disease mechanism: loss of function.
Neutropenia, severe congenital, 1, autosomal dominant. Identifiers: MedGen C1859966, MONDO:0042490, OMIM 202700.

Submission:

Labcorp Genetics (formerly Invitae), Labcorp
Classification: Uncertain significance for Neutropenia, severe congenital, 1, autosomal dominant; Cyclical neutropenia. Last evaluated: 2022-05-17. Review status: criteria provided, single submitter. Criteria: Invitae Variant Classification Sherloc (09022015). Collection method: clinical testing. Allele origin: germline.
Comment: In summary, the available evidence is currently insufficient to determine the role of this variant in disease. Therefore, it has been classified as a Variant of Uncertain Significance. Experimental studies and prediction algorithms are not available or were not evaluated, and the functional significance of this variant is currently unknown. This variant has not been reported in the literature in individuals affected with ELANE-related conditions. This variant results in a copy number gain of the genomic region encompassing exon(s) 1-4 of the ELANE gene. This region includes the initiator codon of the gene. This copy number gain extends beyond the assayed region for this gene and therefore may encompass additional genes. As the precise location of this event is unknown, it may be in tandem or it may be located elsewhere in the genome.

NC_000019.9:g.(?_852329)_(855814_?)dup

Gene: ELANE (elastase, neutrophil expressed; plus strand). Cytogenetic location: 19p13.3.
Variant type: Duplication.
Identifiers: ClinVar variation 2424335 (VCV002424335.5).